The following is an entry in ClinVar:

ClinVar aggregate classification (germline): Likely benign (1 of 4 stars; one submission).

Allele frequency attached by ClinVar (database versions not stated): gnomAD exomes below 0.00001; TOPMed below 0.00001; gnomAD 0.00001.
gnomAD v4.1: 6 of 1,605,464 alleles (0.00037%); highest among the groups gnomAD compares: African/African-American, 0.0013%; no homozygotes.

Submission:

GeneDx
Classification: Likely benign. Last evaluated: 2017-04-05. Review status: criteria provided, single submitter. Criteria: GeneDx Variant Classification (06012015). Collection method: clinical testing. Allele origin: germline. Affected: yes.
Comment: This variant is considered likely benign or benign based on one or more of the following criteria: it is a conservative change, it occurs at a poorly conserved position in the protein, it is predicted to be benign by multiple in silico algorithms, and/or has population frequency not consistent with disease.

NM_006612.6(KIF1C):c.1704A>T (p.Thr568=)

Genes: KIF1C (kinesin family member 1C; plus strand), KIF1C-AS1 (KIF1C antisense RNA 1; minus strand), LOC126862473 (CDK7 strongly-dependent group 2 enhancer GRCh37_chr17:4923264-4924463; plus strand). Cytogenetic location: 17p13.2.
Variant type: single nucleotide variant.
Coding change: c.1704A>T on transcript NM_006612.6 (MANE Select); coding-DNA position 1704, A replaced by T.
Protein change: p.Thr568=; no amino-acid change (threonine 568 retained).
Molecular consequence: synonymous variant. On other transcripts: non-coding transcript variant (1).
Genome position (GRCh38, 1-based): chr17:5,020,033, A>T. VCF-style: chr17-5020033-A-T. GRCh37 (hg19) VCF-style: chr17-4923328-A-T.
Identifiers: ClinVar variation 508530 (VCV000508530.1), dbSNP rs752447534, ClinGen allele CA287184056.